The following is an entry in ClinVar:

NM_014611.3(MDN1):c.2603C>T (p.Thr868Ile)

Gene: MDN1 (midasin AAA ATPase 1; minus strand). Cytogenetic location: 6q15.
Variant type: single nucleotide variant.
Coding change: c.2603C>T on transcript NM_014611.3 (MANE Select); coding-DNA position 2603, C replaced by T.
Protein change: p.Thr868Ile; replaces threonine 868 with isoleucine.
Molecular consequence: missense variant.
Genome position (GRCh38, 1-based): chr6:89,758,818, G>A on the plus strand (C>T on the coding strand, the complement: MDN1 is on the minus strand). VCF-style: chr6-89758818-G-A. GRCh37 (hg19) VCF-style: chr6-90468537-G-A.
Other names: short protein forms T868I.
Identifiers: ClinVar variation 3042134 (VCV003042134.2), dbSNP rs148261180, ClinGen allele CA3925613.
Genomic context (GRCh38, chr6:89,758,818, plus strand): 5'-CTCTAAAGTGGCCACAGGGCTTGACACCAAGTCAAATCCCAAGGGATTCAAGTGCTACCT[G>A]TGTCTCCTCGATCCAGCAACACCAGGGATCCAGAAGATCCTTCAAGCAAACCACTCAGAC-3'
Protein context (NP_055426.1, residues 858-878): GSLVLLDRGD[Thr868Ile]EPLVRHPDFR

ClinVar aggregate classification (germline): Likely benign (0 of 4 stars; one submission).

Conditions:
MDN1-related disorder. Also called: MDN1-related condition.

Allele frequency attached by ClinVar (database versions not stated): ExAC 0.00050; 1000 Genomes Project 0.00100; 1000 Genomes Project 30x 0.00109; gnomAD 0.00151; ESP Exome Variant Server 0.00169; TOPMed 0.00190.
gnomAD v4.1: 504 of 1,614,080 alleles (0.031%); highest among the groups gnomAD compares: African/African-American, 0.62%; no homozygotes.

Submission:

PreventionGenetics, part of Exact Sciences
Classification: Likely benign for MDN1-related condition. Last evaluated: 2019-05-08. Review status: no assertion criteria provided. Collection method: clinical testing. Allele origin: germline.
Comment: This variant is classified as likely benign based on ACMG/AMP sequence variant interpretation guidelines (Richards et al. 2015 PMID: 25741868, with internal and published modifications).